The following is an entry in ClinVar:

ClinVar aggregate classification (germline): Conflicting classifications of pathogenicity. Review status: criteria provided, conflicting classifications (1 of 4 stars). 3 submissions from 3 submitters: Uncertain significance (2); Likely benign (1). Last evaluated 2026-01-26.

Conditions:
Encephalopathy due to defective mitochondrial and peroxisomal fission 2 (EMPF2). Identifiers: Orphanet 485421, MedGen C4310726, MONDO:0014905, OMIM 617086.

Allele frequency attached by ClinVar (database versions not stated): gnomAD exomes 0.00005; ExAC 0.00019; gnomAD 0.00053; TOPMed 0.00068; ESP Exome Variant Server 0.00077; 1000 Genomes Project 30x 0.00078; 1000 Genomes Project 0.00080.
gnomAD v4.1: 168 of 1,614,018 alleles (0.01%); highest among the groups gnomAD compares: African/African-American, 0.19%; no homozygotes.

Submissions (3):

Labcorp Genetics (formerly Invitae), Labcorp
Classification: Likely benign. Last evaluated: 2026-01-26. Review status: criteria provided, single submitter. Criteria: Invitae Variant Classification Sherloc (09022015). Collection method: clinical testing. Allele origin: germline.

GeneDx
Classification: Uncertain significance. Last evaluated: 2025-05-27. Review status: criteria provided, single submitter. Criteria: GeneDx Variant Classification Process June 2021. Collection method: clinical testing. Allele origin: germline. Affected: yes.
Comment: In silico analysis suggests that this missense variant does not alter protein structure/function; Has not been previously published as pathogenic or benign to our knowledge

Revvity Omics, Revvity
Classification: Uncertain significance for Encephalopathy due to defective mitochondrial and peroxisomal fission 2. Last evaluated: 2020-03-19. Review status: criteria provided, single submitter. Criteria: ACMG Guidelines, 2015. Collection method: clinical testing. Allele origin: germline.

NM_001277062.2(MFF):c.403G>A (p.Val135Ile)

Gene: MFF (mitochondrial fission factor; plus strand). Cytogenetic location: 2q36.3.
Variant type: single nucleotide variant.
Coding change: c.403G>A on transcript NM_001277062.2 (MANE Select); coding-DNA position 403, G replaced by A.
Protein change: p.Val135Ile; replaces valine 135 with isoleucine.
Molecular consequence: missense variant. On other transcripts: non-coding transcript variant (1).
Genome position (GRCh38, 1-based): chr2:227,340,343, G>A. VCF-style: chr2-227340343-G-A. GRCh37 (hg19) VCF-style: chr2-228205059-G-A.
Other names: c.481G>A, p.Val161Ile (NM_001277061.2, NM_020194.5); c.403G>A, p.Val135Ile (NM_001277063.2, NM_001277064.2, NM_001277065.2 and 2 more transcripts); c.253G>A, p.Val85Ile (NM_001277067.1); short protein forms V135I, V85I, V161I.
Identifiers: ClinVar variation 2176257 (VCV002176257.8), dbSNP rs145143758, ClinGen allele CA2147894.